The following is an entry in ClinVar:

NM_001367561.1(DOCK7):c.1425+5T>C

Gene: DOCK7 (dedicator of cytokinesis 7; minus strand). Cytogenetic location: 1p31.3.
Variant type: single nucleotide variant.
Coding change: c.1425+5T>C on transcript NM_001367561.1 (MANE Select); 5 bases into the intron after coding-DNA position 1425, T replaced by C.
Molecular consequence: intron variant.
Genome position (GRCh38, 1-based): chr1:62,625,254, A>G on the plus strand (T>C on the coding strand, the complement: DOCK7 is on the minus strand). VCF-style: chr1-62625254-A-G. GRCh37 (hg19) VCF-style: chr1-63090925-A-G.
Other names: c.1425+5T>C (NM_001272001.2, NM_001272000.2, NM_033407.4 and 3 more transcripts).
Identifiers: ClinVar variation 1436903 (VCV001436903.6), dbSNP rs2149604557, ClinGen allele CA2573132528.

ClinVar aggregate classification (germline): Uncertain significance (1 of 4 stars; one submission).

Conditions:
Developmental and epileptic encephalopathy, 23 (DEE23). Also called: Epileptic encephalopathy, early infantile, 23. Identifiers: Orphanet 411986, MedGen C4014492, MONDO:0014371, OMIM 615859.

Submission:

Labcorp Genetics (formerly Invitae), Labcorp
Classification: Uncertain significance for Developmental and epileptic encephalopathy, 23. Last evaluated: 2021-03-20. Review status: criteria provided, single submitter. Criteria: Invitae Variant Classification Sherloc (09022015). Collection method: clinical testing. Allele origin: germline.
Comment: In summary, the available evidence is currently insufficient to determine the role of this variant in disease. Therefore, it has been classified as a Variant of Uncertain Significance. Nucleotide substitutions within the consensus splice site are a relatively common cause of aberrant splicing (PMID: 17576681, 9536098). Algorithms developed to predict the effect of sequence changes on RNA splicing suggest that this variant is not likely to affect RNA splicing, but this prediction has not been confirmed by published transcriptional studies. This variant has not been reported in the literature in individuals with DOCK7-related conditions. This variant is not present in population databases (ExAC no frequency). This sequence change falls in intron 12 of the DOCK7 gene. It does not directly change the encoded amino acid sequence of the DOCK7 protein. It affects a nucleotide within the consensus splice site of the intron.

Literature cited by the submitters: PubMed 17576681; PubMed 9536098.